The following is an entry in ClinVar:

ClinVar aggregate classification (germline): Uncertain significance (1 of 4 stars; one submission).

gnomAD v4.1: 9 of 1,612,828 alleles (0.00056%); highest among the groups gnomAD compares: Non-Finnish European, 0.00076%; no homozygotes.

Submission:

CeGaT Center for Human Genetics Tuebingen
Classification: Uncertain significance. Last evaluated: 2025-07-01. Review status: criteria provided, single submitter. Criteria: CeGaT Center For Human Genetics Tuebingen Variant Classification Criteria Version 2. Collection method: clinical testing. Allele origin: germline. Affected: yes. Observed: 1 variant allele.
Comment: TTN: PM2, BP4

NM_001267550.2(TTN):c.11311+4834G>A

Genes: TTN (titin; minus strand), LOC126806432 (CDK7 strongly-dependent group 2 enhancer GRCh37_chr2:179611985-179613184; plus strand). Cytogenetic location: 2q31.2.
Variant type: single nucleotide variant.
Coding change: c.11311+4834G>A on transcript NM_001267550.2 (MANE Select); 4834 bases into the intron after coding-DNA position 11311, G replaced by A.
Molecular consequence: intron variant. On other transcripts: missense variant (1).
Genome position (GRCh38, 1-based): chr2:178,748,290, C>T on the plus strand (G>A on the coding strand, the complement: TTN is on the minus strand). VCF-style: chr2-178748290-C-T. GRCh37 (hg19) VCF-style: chr2-179613017-C-T.
Other names: c.14110G>A, p.Val4704Ile (NM_133379.5); c.10222+4834G>A (NM_003319.4); c.10798+4834G>A (NM_133437.4); c.10597+4834G>A (NM_133432.3); c.10360+4834G>A (NM_133378.4, NM_001256850.1); short protein forms V4704I.
Identifiers: ClinVar variation 4085101 (VCV004085101.8).
Genomic context (GRCh38, chr2:178,748,290, plus strand): 5'-AGGATTTAAGAGAAAGATCAGTTTTTAAAATGTCTAAGTTTTGTTCCTGTACATGTCGGA[C>T]TTCTTTTTCTAAAGAAATGGAATTTTCATCAATACTACTTTTCTCCACCATAGTTCTATT-3'